The following is an entry in ClinVar:

ClinVar aggregate classification (germline): Uncertain significance (1 of 4 stars; one submission).

Allele frequency attached by ClinVar (database versions not stated): gnomAD exomes below 0.00001.
gnomAD v4.1: 1 of 1,613,540 alleles (0.000062%); highest among the groups gnomAD compares: Admixed American, 0.0017%; no homozygotes.

Submission:

Laboratorio de Genetica e Diagnostico Molecular, Hospital Israelita Albert Einstein
Classification: Uncertain significance. Last evaluated: 2021-10-07. Review status: criteria provided, single submitter. Criteria: ACMG Guidelines, 2015. Collection method: clinical testing. Allele origin: germline. Affected: yes.
Comment: ACMG classification criteria: PM2, BP4

NM_001394998.1(TANC2):c.604A>G (p.Ile202Val)

Gene: TANC2 (tetratricopeptide repeat, ankyrin repeat and coiled-coil containing 2; plus strand). Cytogenetic location: 17q23.3.
Variant type: single nucleotide variant.
Coding change: c.604A>G on transcript NM_001394998.1 (MANE Select); coding-DNA position 604, A replaced by G.
Protein change: p.Ile202Val; replaces isoleucine 202 with valine.
Molecular consequence: missense variant.
Genome position (GRCh38, 1-based): chr17:63,200,792, A>G. VCF-style: chr17-63200792-A-G. GRCh37 (hg19) VCF-style: chr17-61278153-A-G.
Other names: c.382A>G, p.Ile128Val (NM_025185.4); short protein forms I128V, I202V.
Identifiers: ClinVar variation 1690461 (VCV001690461.2), dbSNP rs1292082774, ClinGen allele CA400793485.